The following is an entry in ClinVar:

ClinVar aggregate classification (germline): Uncertain significance (1 of 4 stars; one submission).

Conditions:
Developmental and epileptic encephalopathy, 30 (DEE30). Also called: Epileptic encephalopathy, early infantile, 30. Identifiers: MedGen C4225360, MONDO:0014595, OMIM 616341.

Submission:

Labcorp Genetics (formerly Invitae), Labcorp
Classification: Uncertain significance for Developmental and epileptic encephalopathy, 30. Last evaluated: 2021-12-01. Review status: criteria provided, single submitter. Criteria: Invitae Variant Classification Sherloc (09022015). Collection method: clinical testing. Allele origin: germline.
Comment: This sequence change replaces glycine, which is neutral and non-polar, with arginine, which is basic and polar, at codon 672 of the SIK1 protein (p.Gly672Arg). This variant is not present in population databases (gnomAD no frequency). This variant has not been reported in the literature in individuals affected with SIK1-related conditions. Advanced modeling of protein sequence and biophysical properties (such as structural, functional, and spatial information, amino acid conservation, physicochemical variation, residue mobility, and thermodynamic stability) performed at Invitae indicates that this missense variant is not expected to disrupt SIK1 protein function. In summary, the available evidence is currently insufficient to determine the role of this variant in disease. Therefore, it has been classified as a Variant of Uncertain Significance.

NM_173354.5(SIK1):c.2014G>C (p.Gly672Arg)

Gene: SIK1 (salt inducible kinase 1; minus strand). Cytogenetic location: 21q22.3.
Variant type: single nucleotide variant.
Coding change: c.2014G>C on transcript NM_173354.5 (MANE Select); coding-DNA position 2014, G replaced by C.
Protein change: p.Gly672Arg; replaces glycine 672 with arginine.
Molecular consequence: missense variant.
Genome position (GRCh38, 1-based): chr21:43,417,080, C>G on the plus strand (G>C on the coding strand, the complement: SIK1 is on the minus strand). VCF-style: chr21-43417080-C-G. GRCh37 (hg19) VCF-style: chr21-44836960-C-G.
Other names: short protein forms G672R.
Identifiers: ClinVar variation 1463683 (VCV001463683.6), dbSNP rs751934560, ClinGen allele CA410606827.